The following is an entry in ClinVar:

ClinVar aggregate classification (germline): Pathogenic/Likely pathogenic. Review status: criteria provided, multiple submitters, no conflicts (2 of 4 stars). 2 submissions from 2 submitters: Pathogenic (1); Likely pathogenic (1). Last evaluated 2023-01-25.

Conditions:
Agenesis of the corpus callosum with peripheral neuropathy (ACCPN). Also called: CHARLEVOIX DISEASE; Hereditary Motor and Sensory Neuropathy with Agenesis of the Corpus Callosum; POLYNEUROPATHY, SENSORIMOTOR, WITH OR WITHOUT AGENESIS OF THE CORPUS CALLOSUM; HMSN/ACC. Identifiers: Orphanet 1496, MedGen C0795950, MONDO:0000902, OMIM 218000. Disease mechanism: loss of function.

Submissions (2):

Broad Center for Mendelian Genomics, Broad Institute of MIT and Harvard
Classification: Likely pathogenic for Agenesis of the corpus callosum with peripheral neuropathy. Last evaluated: 2023-01-25. Review status: criteria provided, single submitter. Criteria: ACMG Guidelines, 2015. Collection method: curation. Allele origin: germline. Inheritance: Autosomal recessive inheritance.
Comment: The p.Glu989ThrfsTer5 variant in SLC12A6 has not been previously reported in individuals with agenesis of the corpus callosum with peripheral neuropathy. This variant has also been reported in ClinVar (Variation ID: 1451911) and has been interpreted as pathogenic by Invitae. This variant was absent from large population studies. This variant is predicted to cause a frameshift, which alters the protein‚Äôs amino acid sequence beginning at position 989 and leads to a premature termination codon 5 amino acids downstream. This alteration is then predicted to lead to a truncated or absent protein. Loss of function of the SLC12A6 gene is strongly associated to autosomal recessive agenesis of the corpus callosum with peripheral neuropathy. In summary, although additional studies are required to fully establish its clinical significance, this variant is likely pathogenic for agenesis of the corpus callosum with peripheral neuropathy. ACMG/AMP Criteria applied: PVS1_Strong, PM2_Supporting, PM3_Supporting (Richards 2015).

Labcorp Genetics (formerly Invitae), Labcorp
Classification: Pathogenic. Last evaluated: 2021-02-15. Review status: criteria provided, single submitter. Criteria: Invitae Variant Classification Sherloc (09022015). Collection method: clinical testing. Allele origin: germline.
Comment: For these reasons, this variant has been classified as Pathogenic. This variant has not been reported in the literature in individuals with SLC12A6-related conditions. This variant is not present in population databases (ExAC no frequency). This sequence change creates a premature translational stop signal (p.Glu989Thrfs*5) in the SLC12A6 gene. It is expected to result in an absent or disrupted protein product. Loss-of-function variants in SLC12A6 are known to be pathogenic (PMID: 12368912, 16606917).

Literature cited by the submitters: PubMed 12368912 (cited by Labcorp Genetics (formerly Invitae), Labcorp); PubMed 16606917 (cited by Labcorp Genetics (formerly Invitae), Labcorp).

NM_001365088.1(SLC12A6):c.2962_2963dup (p.Glu989fs)

Gene: SLC12A6 (solute carrier family 12 member 6; minus strand). Cytogenetic location: 15q14.
Variant type: Duplication.
Coding change: c.2962_2963dup on transcript NM_001365088.1 (MANE Select); coding-DNA positions 2962 to 2963, 2 bases duplicated (TA; older notation c.2962_2963dupTA).
Protein change: p.Glu989fs; shifts the reading frame from glutamic acid 989.
Molecular consequence: frameshift variant.
Genome position (GRCh38, 1-based): chr15:34,236,787-34,236,788, TA duplicated on the plus strand (TA on the coding strand, the reverse complement: SLC12A6 is on the minus strand). VCF-style (leftmost placement, unchanged base first): chr15-34236786-G-GTA. GRCh37 (hg19) VCF-style: chr15-34528987-G-GTA.
Other names: NM_001365088.1(SLC12A6):c.2962_2963dup; p.Glu989fs; c.2785_2786dup, p.Glu930fs (NM_001042494.2, NM_001042495.2); c.2935_2936dup, p.Glu980fs (NM_001042496.2); c.2917_2918dup, p.Glu974fs (NM_001042497.2); c.2809_2810dup, p.Glu938fs (NM_005135.2); c.2962_2963dup, p.Glu989fs (NM_133647.2); short protein forms E938fs, E989fs, E980fs, E930fs, E974fs.
Identifiers: ClinVar variation 1451911 (VCV001451911.6), dbSNP rs2140641550, ClinGen allele CA658795140.